The following is an entry in ClinVar:

ClinVar aggregate classification (germline): other (0 of 4 stars; one submission).

Conditions:
Familial colorectal cancer. Identifiers: MedGen CN280943, MONDO:0023113. Disease mechanism: loss of function.

Submission:

Systems Biology Platform Zhejiang California International NanoSystems Institute
Classification: other for Familial colorectal cancer. Review status: no assertion criteria provided. Collection method: not provided. Allele origin: unknown.
ClinVar note: Converted during submission from cancer to other.

NM_000038.6(APC):c.835-4342A>G

Gene: APC (APC regulator of WNT signaling pathway; plus strand). Cytogenetic location: 5q22.2.
Variant type: single nucleotide variant.
Coding change: c.835-4342A>G on transcript NM_000038.6 (MANE Select); 4342 bases into the intron before coding-DNA position 835, A replaced by G.
Molecular consequence: intron variant.
Genome position (GRCh38, 1-based): chr5:112,811,153, A>G. VCF-style: chr5-112811153-A-G. GRCh37 (hg19) VCF-style: chr5-112146850-A-G.
Other names: c.835-4342A>G (NM_001354895.2, NM_001127510.3, NM_001354896.2 and 1 more transcripts); c.865-4342A>G (NM_001354897.2, NM_001354902.2); c.781-4342A>G (NM_001127511.3); c.760-4342A>G (NM_001354898.2, NM_001354904.2); c.-16+842A>G (NM_001354906.2); c.751-4342A>G (NM_001354899.2); c.658-4342A>G (NM_001354900.2, NM_001354901.2, NM_001354905.2).
Identifiers: ClinVar variation 82545 (VCV000082545.2), dbSNP rs79721140, ClinGen allele CA015197.